The following is an entry in ClinVar:

NM_000492.4(CFTR):c.4387C>T (p.Gln1463Ter)

Genes: CFTR (CF transmembrane conductance regulator; plus strand), LOC111674477 (CFTR intron 23 enhancer; plus strand). Cytogenetic location: 7q31.2.
Variant type: single nucleotide variant.
Coding change: c.4387C>T on transcript NM_000492.4 (MANE Select); coding-DNA position 4387, C replaced by T.
Protein change: p.Gln1463Ter; replaces glutamine 1463 with a stop codon.
Molecular consequence: nonsense.
Genome position (GRCh38, 1-based): chr7:117,667,052, C>T. VCF-style: chr7-117667052-C-T. GRCh37 (hg19) VCF-style: chr7-117307106-C-T.
Other names: c.4387C>T (NM_000492.3); short protein forms Q1463*.
Identifiers: ClinVar variation 290316 (VCV000290316.7), dbSNP rs886044425, ClinGen allele CA10606738.

ClinVar aggregate classification (germline): Conflicting classifications of pathogenicity. Review status: criteria provided, conflicting classifications (1 of 4 stars). 3 submissions from 3 submitters: Pathogenic (1); Likely pathogenic (1); Uncertain significance (1). Last evaluated 2026-01-26.

Conditions:
CFTR-related disorder (CFTR-RD). Also called: CFTR-related disorders; CFTR-related condition. Identifiers: MedGen C5924204, MONDO:7770004.
Cystic fibrosis (CF). Also called: MUCOVISCIDOSIS. Identifiers: Orphanet 586, MedGen C0010674, MONDO:0009061, OMIM 219700. Disease mechanism: loss of function.

gnomAD v4.1: 1 of 1,614,050 alleles (0.000062%); no homozygotes.

Submissions (3):

Labcorp Genetics (formerly Invitae), Labcorp
Classification: Pathogenic for Cystic fibrosis. Last evaluated: 2026-01-26. Review status: criteria provided, single submitter. Criteria: Invitae Variant Classification Sherloc (09022015). Collection method: clinical testing. Allele origin: germline.
Comment: This sequence change creates a premature translational stop signal (p.Gln1463*) in the CFTR gene. While this is not anticipated to result in nonsense mediated decay, it is expected to disrupt the last 18 amino acid(s) of the CFTR protein. This variant is not present in population databases (gnomAD no frequency). This variant has not been reported in the literature in individuals affected with CFTR-related conditions. ClinVar contains an entry for this variant (Variation ID: 290316). This variant disrupts a region of the CFTR protein in which other variant(s) (p.Gln1476*) have been determined to be pathogenic (PMID: 11938439, 22020151, 25910067, 28544683, 30444886). This suggests that this is a clinically significant region of the protein, and that variants that disrupt it are likely to be disease-causing. For these reasons, this variant has been classified as Pathogenic.

Natera, Inc.
Classification: Likely pathogenic for CFTR-related disorders. Last evaluated: 2025-09-09. Review status: criteria provided, single submitter. Criteria: Natera Variant Classification Schema (03/2026). Collection method: clinical testing. Allele origin: germline.
Comment: The c.4387C>T variant in CFTR is a nonsense variant predicted to introduce a stop codon at amino acid 1463. This variant is expected to result in nonsense mediated decay, truncation, or a dysfunctional protein product. This variant is rare in the general population with a frequency below the threshold expected for the associated phenotype(s). Given the available evidence, this variant is classified as Likely Pathogenic.

Eurofins Ntd Llc (ga)
Classification: Uncertain significance. Last evaluated: 2016-08-15. Review status: criteria provided, single submitter. Criteria: EGL Classification Definitions 2015. Collection method: clinical testing. Allele origin: germline. Observed: 1 variant allele, 1 heterozygote.

Literature cited by the submitters: PubMed 11938439 (cited by Labcorp Genetics (formerly Invitae), Labcorp); PubMed 22020151 (cited by Labcorp Genetics (formerly Invitae), Labcorp); PubMed 25910067 (cited by Labcorp Genetics (formerly Invitae), Labcorp); PubMed 28544683 (cited by Labcorp Genetics (formerly Invitae), Labcorp); PubMed 30444886 (cited by Labcorp Genetics (formerly Invitae), Labcorp).